The following is an entry in ClinVar:

NM_004990.4(MARS1):c.2415G>A (p.Leu805=)

Gene: MARS1 (methionyl-tRNA synthetase 1; plus strand). Cytogenetic location: 12q13.3.
Variant type: single nucleotide variant.
Coding change: c.2415G>A on transcript NM_004990.4 (MANE Select); coding-DNA position 2415, G replaced by A.
Protein change: p.Leu805=; no amino-acid change (leucine 805 retained).
Molecular consequence: synonymous variant.
Genome position (GRCh38, 1-based): chr12:57,515,943, G>A. VCF-style: chr12-57515943-G-A. GRCh37 (hg19) VCF-style: chr12-57909726-G-A.
Identifiers: ClinVar variation 1681794 (VCV001681794.8), dbSNP rs374963162, ClinGen allele CA6650806.
Genomic context (GRCh38, chr12:57,515,943, plus strand): 5'-CCAATCAGTAGATGATTCTGGAACTCTTTTTTTACAGGTCAGTCCCTTGTTCCAAAAATT[G>A]GAAAATGACCAGATTGAAAGTTTAAGGCAGCGCTTTGGAGGGGGCCAGGTGAGAAAGCTA-3'
Protein context (NP_004981.2, residues 795-815): IGTVSPLFQK[Leu805=]ENDQIESLRQ

ClinVar aggregate classification (germline): Uncertain significance (1 of 4 stars; one submission).

Conditions:
Severe early-onset pulmonary alveolar proteinosis due to MARS deficiency. Also called: PULMONARY ALVEOLAR PROTEINOSIS, REUNION ISLAND; Interstitial lung and liver disease. Identifiers: Orphanet 440427, MedGen C4225400, MONDO:0014206, OMIM 615486.
Charcot-Marie-Tooth disease axonal type 2U. Also called: CHARCOT-MARIE-TOOTH NEUROPATHY, TYPE 2U; CHARCOT-MARIE-TOOTH DISEASE, AXONAL, AUTOSOMAL DOMINANT, TYPE 2U. Identifiers: Orphanet 397735, MedGen C4084821, MONDO:0014566, OMIM 616280.

Allele frequency attached by ClinVar (database versions not stated): gnomAD exomes 0.00001 and 0.00003; ExAC 0.00004; ESP Exome Variant Server 0.00008; TOPMed 0.00009; gnomAD 0.00012 and 0.00014.
gnomAD v4.1: 29 of 1,613,894 alleles (0.0018%); highest among the groups gnomAD compares: African/African-American, 0.032%; no homozygotes.

Submission:

Labcorp Genetics (formerly Invitae), Labcorp
Classification: Uncertain significance for Charcot-Marie-Tooth disease axonal type 2U; Severe early-onset pulmonary alveolar proteinosis due to MARS deficiency. Last evaluated: 2025-01-11. Review status: criteria provided, single submitter. Criteria: Invitae Variant Classification Sherloc (09022015). Collection method: clinical testing. Allele origin: germline.
Comment: This sequence change affects codon 805 of the MARS mRNA. It is a 'silent' change, meaning that it does not change the encoded amino acid sequence of the MARS protein. This variant is present in population databases (rs374963162, gnomAD 0.03%). This variant has not been reported in the literature in individuals affected with MARS-related conditions. ClinVar contains an entry for this variant (Variation ID: 1681794). Algorithms developed to predict the effect of sequence changes on RNA splicing suggest that this variant may disrupt the consensus splice site. In summary, the available evidence is currently insufficient to determine the role of this variant in disease. Therefore, it has been classified as a Variant of Uncertain Significance.